The following is an entry in ClinVar:

NM_001024630.4(RUNX2):c.859+1G>C

Gene: RUNX2 (RUNX family transcription factor 2; plus strand). Cytogenetic location: 6p21.1.
Variant type: single nucleotide variant.
Coding change: c.859+1G>C on transcript NM_001024630.4 (MANE Select); the canonical splice donor site of the intron after coding-DNA position 859, G replaced by C.
Molecular consequence: splice donor variant.
Genome position (GRCh38, 1-based): chr6:45,492,115, G>C. VCF-style: chr6-45492115-G-C. GRCh37 (hg19) VCF-style: chr6-45459852-G-C.
Other names: c.859+1G>C (NM_001015051.4); c.817+1G>C (NM_001369405.1, NM_001278478.2).
Identifiers: ClinVar variation 2633546 (VCV002633546.1), dbSNP rs2548635916, ClinGen allele CA363958640.

ClinVar aggregate classification (germline): Likely pathogenic (1 of 4 stars; one submission).

Conditions:
RUNX2-related disorder. Also called: RUNX2-related condition.

Submission:

PreventionGenetics, part of Exact Sciences
Classification: Likely pathogenic for RUNX2-related condition. Last evaluated: 2023-04-03. Review status: criteria provided, single submitter. Criteria: ACMG Guidelines, 2015. Collection method: clinical testing. Allele origin: germline.
Comment: The RUNX2 c.859+1G>C variant is predicted to disrupt the GT donor site and interfere with normal splicing. To our knowledge, this variant has not been reported in the literature or in a large population database, indicating this variant is rare. Variants that disrupt the consensus splice donor site in RUNX2 are expected to be pathogenic. This variant is interpreted as likely pathogenic.